The following is an entry in ClinVar:

NM_017780.4(CHD7):c.1281T>C (p.Tyr427=)

Gene: CHD7 (chromodomain helicase DNA binding protein 7; plus strand). Cytogenetic location: 8q12.2.
Variant type: single nucleotide variant.
Coding change: c.1281T>C on transcript NM_017780.4 (MANE Select); coding-DNA position 1281, T replaced by C.
Protein change: p.Tyr427=; no amino-acid change (tyrosine 427 retained).
Molecular consequence: synonymous variant.
Genome position (GRCh38, 1-based): chr8:60,742,713, T>C. VCF-style: chr8-60742713-T-C. GRCh37 (hg19) VCF-style: chr8-61655272-T-C.
Other names: c.1281T>C, p.Tyr427= (NM_001316690.1).
Identifiers: ClinVar variation 459541 (VCV000459541.13), dbSNP rs373942842, ClinGen allele CA4759461.

ClinVar aggregate classification (germline): Conflicting classifications of pathogenicity. Review status: criteria provided, conflicting classifications (1 of 4 stars). 3 submissions from 3 submitters: Uncertain significance (1); Likely benign (2). Last evaluated 2025-04-26.

Conditions:
Inborn genetic diseases. Identifiers: MedGen C0950123, MeSH D030342.
Hypogonadotropic hypogonadism 5 with or without anosmia (KAL5). Also called: CHD7-Related GnRH Deficiency (Kallmann Syndrome 5); HYPOGONADOTROPIC HYPOGONADISM 5 WITH ANOSMIA; HYPOGONADOTROPHIC HYPOGONADISM 5 WITHOUT ANOSMIA. Identifiers: Orphanet 478, MedGen C3552553, MONDO:0012880, OMIM 612370. Disease mechanism: loss of function.
CHARGE syndrome (CHARGE). Also called: Hittner Hirsch Kreh syndrome; CHARGE ASSOCIATION--COLOBOMA, HEART ANOMALY, CHOANAL ATRESIA, RETARDATION, GENITAL AND EAR ANOMALIES; Coloboma, heart anomaly, choanal atresia, retardation, genital and ear anomalies; CHARGE association; Hall-Hittner syndrome. Identifiers: Orphanet 138, MedGen C0265354, MONDO:0008965.

Allele frequency attached by ClinVar (database versions not stated): gnomAD exomes 0.00001 and 0.00002; ExAC 0.00002; gnomAD 0.00003 and 0.00004; TOPMed 0.00003; ESP Exome Variant Server 0.00008.
gnomAD v4.1: 25 of 1,612,940 alleles (0.0015%); highest among the groups gnomAD compares: African/African-American, 0.0053%; no homozygotes.

Submissions (3):

Labcorp Genetics (formerly Invitae), Labcorp
Classification: Likely benign for CHARGE syndrome. Last evaluated: 2025-04-26. Review status: criteria provided, single submitter. Criteria: Invitae Variant Classification Sherloc (09022015). Collection method: clinical testing. Allele origin: germline.

Ambry Genetics
Classification: Likely benign for Inborn genetic diseases. Last evaluated: 2023-12-15. Review status: criteria provided, single submitter. Criteria: Ambry Variant Classification Scheme 2023. Collection method: clinical testing. Allele origin: germline.

Illumina Laboratory Services, Illumina
Classification: Uncertain significance for Kallmann Syndrome 5. Last evaluated: 2017-05-01. Review status: criteria provided, single submitter. Criteria: ICSL Variant Classification Criteria 13 December 2019. Collection method: clinical testing. Allele origin: germline.
Comment: This variant was observed as part of a predisposition screen in an ostensibly healthy population. A literature search was performed for the gene, cDNA change, and amino acid change (where applicable). Publications were found based on this search. However, the evidence from the literature, in combination with allele frequency data from public databases where available, was not sufficient to rule this variant in or out of causing disease. Therefore, this variant is classified as a variant of unknown significance.

Literature cited by the submitters: PubMed 26929907 (cited by Illumina Laboratory Services, Illumina).